The following is an entry in ClinVar:

NM_003238.6(TGFB2):c.619G>A (p.Val207Ile)

Gene: TGFB2 (transforming growth factor beta 2; plus strand). Cytogenetic location: 1q41.
Variant type: single nucleotide variant.
Coding change: c.619G>A on transcript NM_003238.6 (MANE Select); coding-DNA position 619, G replaced by A.
Protein change: p.Val207Ile; replaces valine 207 with isoleucine.
Molecular consequence: missense variant. On other transcripts: non-coding transcript variant (2).
Genome position (GRCh38, 1-based): chr1:218,434,190, G>A. VCF-style: chr1-218434190-G-A. GRCh37 (hg19) VCF-style: chr1-218607532-G-A.
Other names: c.703G>A, p.Val235Ile (NM_001135599.4); short protein forms V235I, V207I.
Identifiers: ClinVar variation 1498363 (VCV001498363.8), dbSNP rs10482810, ClinGen allele CA344726653.

ClinVar aggregate classification (germline): Uncertain significance (1 of 4 stars; one submission).

Conditions:
Loeys-Dietz syndrome 4 (LDS4). Also called: ANEURYSM, AORTIC AND CEREBRAL, WITH ARTERIAL TORTUOSITY AND SKELETAL MANIFESTATIONS; TGFB2-Related Loeys-Dietz Syndrome. Identifiers: MedGen C3553762, MONDO:0013897, OMIM 614816.

gnomAD v4.1: 2 of 1,614,148 alleles (0.00012%); highest among the groups gnomAD compares: Non-Finnish European, 0.00017%; no homozygotes.

Submission:

Labcorp Genetics (formerly Invitae), Labcorp
Classification: Uncertain significance for Loeys-Dietz syndrome 4. Last evaluated: 2021-02-22. Review status: criteria provided, single submitter. Criteria: Invitae Variant Classification Sherloc (09022015). Collection method: clinical testing. Allele origin: germline.
Comment: In summary, the available evidence is currently insufficient to determine the role of this variant in disease. Therefore, it has been classified as a Variant of Uncertain Significance. Advanced modeling of protein sequence and biophysical properties (such as structural, functional, and spatial information, amino acid conservation, physicochemical variation, residue mobility, and thermodynamic stability) performed at Invitae indicates that this missense variant is not expected to disrupt TGFB2 protein function. This variant has not been reported in the literature in individuals with TGFB2-related conditions. This variant is not present in population databases (ExAC no frequency). This sequence change replaces valine with isoleucine at codon 207 of the TGFB2 protein (p.Val207Ile). The valine residue is highly conserved and there is a small physicochemical difference between valine and isoleucine.